The following is an entry in ClinVar:

NM_003235.5(TG):c.5122A>G (p.Ile1708Val)

Gene: TG (thyroglobulin; plus strand). Cytogenetic location: 8q24.22.
Variant type: single nucleotide variant.
Coding change: c.5122A>G on transcript NM_003235.5 (MANE Select); coding-DNA position 5122, A replaced by G.
Protein change: p.Ile1708Val; replaces isoleucine 1708 with valine.
Molecular consequence: missense variant.
Genome position (GRCh38, 1-based): chr8:132,941,431, A>G. VCF-style: chr8-132941431-A-G. GRCh37 (hg19) VCF-style: chr8-133953676-A-G.
Other names: short protein forms I1708V.
Identifiers: ClinVar variation 361970 (VCV000361970.13), dbSNP rs61744679, ClinGen allele CA4884370.
Genomic context (GRCh38, chr8:132,941,431, plus strand): 5'-CTTCAGAAACGCTTTGAACCCACTGGTTTCCAAAACATGCTTTCTGGATTGTACAACCCC[A>G]TTGTGTTCTCAGCCTCAGGAGCCAATCTAACCGATGCTCACCTCTTCTGTCTTCTTGCAT-3'
Protein context (NP_003226.4, residues 1698-1718): QNMLSGLYNP[Ile1708Val]VFSASGANLT

ClinVar aggregate classification (germline): Benign/Likely benign. Review status: criteria provided, multiple submitters, no conflicts (2 of 4 stars). 3 submissions from 3 submitters: Benign (1); Likely benign (2). Last evaluated 2026-02-02.

Conditions:
Iodotyrosyl coupling defect (TDH3). Also called: HYPOTHYROIDISM, CONGENITAL, DUE TO DYSHORMONOGENESIS, 3; THYROID HORMONOGENESIS, GENETIC DEFECT IN, 3. Identifiers: Orphanet 95716, MedGen C0342194, MONDO:0010135, OMIM 274700.

Allele frequency attached by ClinVar (database versions not stated): gnomAD exomes 0.00228 and 0.00635; ExAC 0.00807; gnomAD 0.02483 and 0.02642; TOPMed 0.02756; 1000 Genomes Project 0.02796; ESP Exome Variant Server 0.02960; 1000 Genomes Project 30x 0.03029.

Submissions (3):

Labcorp Genetics (formerly Invitae), Labcorp
Classification: Benign. Last evaluated: 2026-02-02. Review status: criteria provided, single submitter. Criteria: Invitae Variant Classification Sherloc (09022015). Collection method: clinical testing. Allele origin: germline.

Illumina Laboratory Services, Illumina
Classification: Likely benign for Iodotyrosyl coupling defect. Last evaluated: 2018-01-13. Review status: criteria provided, single submitter. Criteria: ICSL Variant Classification Criteria 13 December 2019. Collection method: clinical testing. Allele origin: germline.
Comment: This variant was observed in the ICSL laboratory as part of a predisposition screen in an ostensibly healthy population. It had not been previously curated by ICSL or reported in the Human Gene Mutation Database (HGMD: prior to June 1st, 2018), and was therefore a candidate for classification through an automated scoring system. Utilizing variant allele frequency, disease prevalence and penetrance estimates, and inheritance mode, an automated score was calculated to assess if this variant is too frequent to cause the disease. Based on the score and internal cut-off values, a variant classified as likely benign is not then subjected to further curation. The score for this variant resulted in a classification of likely benign for this disease.

Breakthrough Genomics
Classification: Likely benign. Review status: criteria provided, single submitter. Criteria: ACMG Guidelines, 2015. Collection method: not provided. Allele origin: germline. Inheritance: Autosomal recessive inheritance. Affected: yes.